The following is an entry in ClinVar:

NM_001005273.3(CHD3):c.1421G>A (p.Cys474Tyr)

Gene: CHD3 (chromodomain helicase DNA binding protein 3; plus strand). Cytogenetic location: 17p13.1.
Variant type: single nucleotide variant.
Coding change: c.1421G>A on transcript NM_001005273.3 (MANE Select); coding-DNA position 1421, G replaced by A.
Protein change: p.Cys474Tyr; replaces cysteine 474 with tyrosine.
Molecular consequence: missense variant.
Genome position (GRCh38, 1-based): chr17:7,895,068, G>A. VCF-style: chr17-7895068-G-A. GRCh37 (hg19) VCF-style: chr17-7798386-G-A.
Other names: c.1598G>A, p.Cys533Tyr (NM_001005271.3); c.1421G>A, p.Cys474Tyr (NM_005852.4); short protein forms C474Y, C533Y.
Identifiers: ClinVar variation 3375842 (VCV003375842.1).

ClinVar aggregate classification (germline): Uncertain significance (1 of 4 stars; one submission).

Submission:

GeneDx
Classification: Uncertain significance. Last evaluated: 2024-04-29. Review status: criteria provided, single submitter. Criteria: GeneDx Variant Classification Process June 2021. Collection method: clinical testing. Allele origin: germline. Affected: yes.
Comment: Not observed at significant frequency in large population cohorts (gnomAD); In silico analysis supports that this missense variant has a deleterious effect on protein structure/function; Has not been previously published as pathogenic or benign to our knowledge